The following is an entry in ClinVar:

ClinVar aggregate classification (germline): Benign/Likely benign. Review status: criteria provided, multiple submitters, no conflicts (2 of 4 stars). 5 submissions from 5 submitters: Benign (1); Likely benign (3). 1 of the submissions does not count toward it. Last evaluated 2026-02-03.

Conditions:
Hereditary cancer-predisposing syndrome. Also called: Tumor predisposition; Hereditary Cancer Syndrome; Neoplastic Syndromes, Hereditary; Hereditary neoplastic syndrome. Identifiers: Orphanet 140162, MedGen C0027672, MeSH D009386, MONDO:0015356.
Gorlin syndrome. Also called: Nevoid Basal Cell Carcinoma Syndrome; Basal cell nevus syndrome. Identifiers: Orphanet 377, MedGen C0004779, MONDO:0007187.
PTCH1-related disorder. Also called: PTCH1-related disorders; PTCH1-related condition.

Allele frequency attached by ClinVar (database versions not stated): gnomAD exomes 0.00007 and 0.00018; ExAC 0.00021; 1000 Genomes Project 0.00040; TOPMed 0.00064; ESP Exome Variant Server 0.00085; 1000 Genomes Project 30x 0.00047; gnomAD 0.00056 and 0.00061.
gnomAD v4.1: 193 of 1,614,052 alleles (0.012%); highest among the groups gnomAD compares: African/African-American, 0.23%; no homozygotes.

Submissions (5):

Labcorp Genetics (formerly Invitae), Labcorp
Classification: Benign for Gorlin syndrome. Last evaluated: 2026-02-03. Review status: criteria provided, single submitter. Criteria: Invitae Variant Classification Sherloc (09022015). Collection method: clinical testing. Allele origin: germline.

Sema4
Classification: Likely benign for Hereditary cancer-predisposing syndrome. Last evaluated: 2022-02-28. Review status: criteria provided, single submitter. Criteria: Sema4 Curation Guidelines. Collection method: curation. Allele origin: germline.

Ambry Genetics
Classification: Likely benign for Hereditary cancer-predisposing syndrome. Last evaluated: 2019-03-11. Review status: criteria provided, single submitter. Criteria: Ambry Variant Classification Scheme 2023. Collection method: clinical testing. Allele origin: germline.

GeneDx
Classification: Likely benign. Last evaluated: 2018-09-05. Review status: criteria provided, single submitter. Criteria: GeneDx Variant Classification Process June 2021. Collection method: clinical testing. Allele origin: germline. Affected: yes.

PreventionGenetics, part of Exact Sciences
Classification: Likely benign for PTCH1-related condition. Last evaluated: 2020-07-27. Review status: no assertion criteria provided. Collection method: clinical testing. Allele origin: germline. Not counted in ClinVar's aggregate classification.
Comment: This variant is classified as likely benign based on ACMG/AMP sequence variant interpretation guidelines (Richards et al. 2015 PMID: 25741868, with internal and published modifications).

NM_000264.5(PTCH1):c.2050G>A (p.Glu684Lys)

Genes: PTCH1 (patched 1; minus strand), LOC100507346 (uncharacterized LOC100507346; plus strand). Cytogenetic location: 9q22.32.
Variant type: single nucleotide variant.
Coding change: c.2050G>A on transcript NM_000264.5 (MANE Select); coding-DNA position 2050, G replaced by A.
Protein change: p.Glu684Lys; replaces glutamic acid 684 with lysine.
Molecular consequence: missense variant. On other transcripts: non-coding transcript variant (2).
Genome position (GRCh38, 1-based): chr9:95,468,951, C>T on the plus strand (G>A on the coding strand, the complement: PTCH1 is on the minus strand). VCF-style: chr9-95468951-C-T. GRCh37 (hg19) VCF-style: chr9-98231233-C-T.
Other names: c.1852G>A, p.Glu618Lys (NM_001083602.3); c.2047G>A, p.Glu683Lys (NM_001083603.3); c.1597G>A, p.Glu533Lys (NM_001083604.3, NM_001083605.3, NM_001083606.3 and 1 more transcripts); c.1894G>A, p.Glu632Lys (NM_001354918.2); short protein forms E618K, E684K, E632K, E683K, E533K.
Identifiers: ClinVar variation 215685 (VCV000215685.20), dbSNP rs62637629, ClinGen allele CA336426.
Genomic context (GRCh38, chr9:95,468,951, plus strand): 5'-TCTCTGGGCTCTGGCAGCTGAGGGTGTCCTGTGTCACGGTGACGGGCTGCACAGAGATCT[C>T]GGAGCGCGGCTCAGCGGTGGTGTAGTACACGTGCGTGTGGGGGTCGTACTCCGTGCGGAG-3'
Protein context (NP_000255.2, residues 674-694): VYYTTAEPRS[Glu684Lys]ISVQPVTVTQ